The following is an entry in ClinVar:

ClinVar aggregate classification (germline): Pathogenic. Review status: criteria provided, multiple submitters, no conflicts (2 of 4 stars). 7 submissions from 7 submitters: Pathogenic (5). 2 of the submissions do not count toward it. Last evaluated 2025-02-07.

Conditions:
Glutaric aciduria, type 1. Also called: Glutaryl-CoA dehydrogenase deficiency; Glutaric acidemia type I; Glutaricacidemia Type 1; GA I; Glutaricaciduria, type I; Glutaric Acidemia Type 1. Identifiers: Orphanet 25, MedGen C0268595, MONDO:0009281, OMIM 231670.

Submissions (7):

North West Genomic Laboratory Hub, Manchester University NHS Foundation Trust
Classification: Pathogenic for Glutaric aciduria, type 1. Last evaluated: 2025-02-07. Review status: criteria provided, single submitter. Criteria: ACGS Best Practice Guidelines for Variant Classification in Rare Disease 2024. Collection method: clinical testing. Allele origin: germline. Affected: yes.
Comment: PP4_Supp PM2_Mod PVS1_VStr

Fulgent Genetics
Classification: Pathogenic for Glutaric aciduria, type 1. Last evaluated: 2024-01-16. Review status: criteria provided, single submitter. Criteria: ACMG Guidelines, 2015. Collection method: clinical testing. Allele origin: germline.

Revvity Omics, Revvity
Classification: Pathogenic for Glutaric aciduria, type 1. Last evaluated: 2022-03-28. Review status: criteria provided, single submitter. Criteria: ACMG Guidelines, 2015. Collection method: clinical testing. Allele origin: germline.

Labcorp Genetics (formerly Invitae), Labcorp
Classification: Pathogenic for Glutaric aciduria, type 1. Last evaluated: 2021-01-07. Review status: criteria provided, single submitter. Criteria: Invitae Variant Classification Sherloc (09022015). Collection method: clinical testing. Allele origin: germline.
Comment: For these reasons, this variant has been classified as Pathogenic. This nonsense change has been observed in individual(s) with glutaric aciduria type I (PMID: 26071121). ClinVar contains an entry for this variant (Variation ID: 191375). This variant is not present in population databases (ExAC no frequency). This sequence change creates a premature translational stop signal (p.Trp225*) in the GCDH gene. It is expected to result in an absent or disrupted protein product. Loss-of-function variants in GCDH are known to be pathogenic (PMID: 10699052, 11854167, 16602100).

Neuberg Centre For Genomic Medicine, NCGM
Classification: Pathogenic for Glutaric aciduria, type 1. Review status: criteria provided, single submitter. Criteria: ACMG Guidelines, 2015. Collection method: clinical testing. Allele origin: germline. Inheritance: Autosomal recessive inheritance. Affected: yes.
Comment: The stop gain c.675G>A (p.Trp225Ter) variant in GCDH gene has been reported previously reported in homozygous state in patients affected with Glutaric Aciduria Type 1(Parag M Tamhankar et al., 2021).The p.Trp225Ter variant is novel (not in any individuals) in gnomAD Exomes and 1000 Genomes. The variant is submitted in ClinVar as Likely Pathogenic and Pathogenic. This variant is predicted to cause loss of normal protein function through protein truncation. Loss of function variants have been previously reported to be disease causing. The nucleotide change in GCDH is predicted as conserved by GERP++ and PhyloP across 100 vertebrates. For these reasons, this variant has been classified as Pathogenic. In the absence of second reportable variant/CNV, the molecular diagnosis is not confirmed.

Counsyl
Classification: Likely pathogenic for Glutaric aciduria, type 1. Last evaluated: 2016-03-02. Review status: no assertion criteria provided. Collection method: clinical testing. Allele origin: unknown. Not counted in ClinVar's aggregate classification.

National Institute of Mental Health and Neurosciences
Classification: Pathogenic for Glutaric aciduria, type 1. Last evaluated: 2015-12-08. Review status: no assertion criteria provided. Collection method: research. Allele origin: germline. Affected: yes. Observed: 1 variant allele, 1 homozygote. Not counted in ClinVar's aggregate classification.

Literature cited by the submitters: PubMed 26071121 (cited by Labcorp Genetics (formerly Invitae), Labcorp); PubMed 10699052 (cited by Labcorp Genetics (formerly Invitae), Labcorp); PubMed 11854167 (cited by Labcorp Genetics (formerly Invitae), Labcorp); PubMed 16602100 (cited by Labcorp Genetics (formerly Invitae), Labcorp).

NM_000159.4(GCDH):c.675G>A (p.Trp225Ter)

Gene: GCDH (glutaryl-CoA dehydrogenase; plus strand). Cytogenetic location: 19p13.13.
Variant type: single nucleotide variant.
Coding change: c.675G>A on transcript NM_000159.4 (MANE Select); coding-DNA position 675, G replaced by A.
Protein change: p.Trp225Ter; replaces tryptophan 225 with a stop codon.
Molecular consequence: nonsense. On other transcripts: non-coding transcript variant (2).
Genome position (GRCh38, 1-based): chr19:12,896,244, G>A. VCF-style: chr19-12896244-G-A. GRCh37 (hg19) VCF-style: chr19-13007058-G-A.
Other names: c.675G>A, p.Trp225Ter (NM_013976.5); short protein forms W225*.
Identifiers: ClinVar variation 191375 (VCV000191375.20), dbSNP rs786205862, ClinGen allele CA274778.